The following is an entry in ClinVar:

NM_032608.7(MYO18B):c.3088C>T (p.Gln1030Ter)

Gene: MYO18B (myosin XVIIIB; plus strand). Cytogenetic location: 22q12.1.
Variant type: single nucleotide variant.
Coding change: c.3088C>T on transcript NM_032608.7 (MANE Select); coding-DNA position 3088, C replaced by T.
Protein change: p.Gln1030Ter; replaces glutamine 1030 with a stop codon.
Molecular consequence: nonsense.
Genome position (GRCh38, 1-based): chr22:25,835,323, C>T. VCF-style: chr22-25835323-C-T. GRCh37 (hg19) VCF-style: chr22-26231290-C-T.
Other names: c.3091C>T, p.Gln1031Ter (NM_001318245.2); short protein forms Q1030*, Q1031*.
Identifiers: ClinVar variation 5018521 (VCV005018521.2).

ClinVar aggregate classification (germline): Likely pathogenic (1 of 4 stars; one submission).

Conditions:
Klippel-Feil anomaly-myopathy-facial dysmorphism syndrome. Also called: Klippel-Feil syndrome 4, autosomal recessive, with myopathy and facial dysmorphism; Klippel-feil syndrome 4, autosomal recessive, with nemaline myopathy and facial dysmorphism. Identifiers: Orphanet 447974, MedGen C4225285, MONDO:0014689, OMIM 616549.

Submission:

Juno Genomics, Hangzhou Juno Genomics, Inc
Classification: Likely pathogenic for Klippel-Feil anomaly-myopathy-facial dysmorphism syndrome. Review status: criteria provided, single submitter. Criteria: ACMG Guidelines, 2015. Collection method: clinical testing. Allele origin: germline.
Comment: Absent from controls (or at extremely low frequency if recessive) in Genome Aggregation Database.;Null variant in a gene where loss of function (LOF) is a known mechanism of disease.